The following is an entry in ClinVar:

NM_014336.5(AIPL1):c.178_179delinsAC (p.His60Thr)

Gene: AIPL1 (AIP like 1 HSP90 co-chaperone; minus strand). Cytogenetic location: 17p13.2.
Variant type: Indel.
Coding change: c.178_179delinsAC on transcript NM_014336.5 (MANE Select); coding-DNA positions 178 to 179, CA replaced by AC.
Protein change: p.His60Thr; replaces histidine 60 with threonine.
Molecular consequence: missense variant. On other transcripts: intron variant (1).
Genome position (GRCh38, 1-based): chr17:6,434,016-6,434,017, TG replaced by GT on the plus strand (CA replaced by AC on the coding strand, the reverse complement: AIPL1 is on the minus strand). VCF-style: chr17-6434016-TG-GT. GRCh37 (hg19) VCF-style: chr17-6337336-TG-GT.
Other names: c.178_179delinsAC, p.His60Thr (NM_001033054.3, NM_001285401.3, NM_001285403.4); c.142_143delinsAC, p.His48Thr (NM_001285399.3); c.112_113delinsAC, p.His38Thr (NM_001285400.3); c.61_62delinsAC, p.His21Thr (NM_001285402.2); c.96+992_96+993delinsAC (NM_001033055.3); short protein forms H48T, H38T, H21T, H60T.
Identifiers: ClinVar variation 1901776 (VCV001901776.2), dbSNP rs2543916366, ClinGen allele CA2580093554.

ClinVar aggregate classification (germline): Uncertain significance (1 of 4 stars; one submission).

Conditions:
Leber congenital amaurosis 4 (LCA4). Identifiers: MedGen C1858386, MONDO:0011458, OMIM 604393.

Submission:

Labcorp Genetics (formerly Invitae), Labcorp
Classification: Uncertain significance for Leber congenital amaurosis 4. Last evaluated: 2022-04-01. Review status: criteria provided, single submitter. Criteria: Invitae Variant Classification Sherloc (09022015). Collection method: clinical testing. Allele origin: germline.
Comment: This sequence change replaces histidine, which is basic and polar, with threonine, which is neutral and polar, at codon 60 of the AIPL1 protein (p.His60Thr). Information on the frequency of this variant in the gnomAD database is not available, as this variant may be reported differently in the database. This variant has not been reported in the literature in individuals affected with AIPL1-related conditions. Algorithms developed to predict the effect of missense changes on protein structure and function are either unavailable or do not agree on the potential impact of this missense change (SIFT: "Not Available"; PolyPhen-2: "Benign"; Align-GVGD: "Not Available"). In summary, the available evidence is currently insufficient to determine the role of this variant in disease. Therefore, it has been classified as a Variant of Uncertain Significance.